The following is an entry in ClinVar:

NM_001164508.2(NEB):c.17018T>G (p.Leu5673Arg)

Gene: NEB (nebulin; minus strand). Cytogenetic location: 2q23.3.
Variant type: single nucleotide variant.
Coding change: c.17018T>G on transcript NM_001164508.2 (MANE Select); coding-DNA position 17018, T replaced by G.
Protein change: p.Leu5673Arg; replaces leucine 5673 with arginine.
Molecular consequence: missense variant.
Genome position (GRCh38, 1-based): chr2:151,570,597, A>C on the plus strand (T>G on the coding strand, the complement: NEB is on the minus strand). VCF-style: chr2-151570597-A-C. GRCh37 (hg19) VCF-style: chr2-152427111-A-C.
Other names: c.17018T>G, p.Leu5673Arg (NM_001164507.2, NM_001271208.2); c.11915T>G, p.Leu3972Arg (NM_004543.5); short protein forms L3972R, L5673R.
Identifiers: ClinVar variation 1042676 (VCV001042676.8), dbSNP rs2096589517, ClinGen allele CA348808889.

ClinVar aggregate classification (germline): Uncertain significance (1 of 4 stars; one submission).

Conditions:
Nemaline myopathy 2 (NEM2). Also called: Nemaline myopathy 2, autosomal recessive. Identifiers: MedGen C1850569, MONDO:0009725, OMIM 256030.

Submission:

Labcorp Genetics (formerly Invitae), Labcorp
Classification: Uncertain significance for Nemaline myopathy 2. Last evaluated: 2021-03-05. Review status: criteria provided, single submitter. Criteria: Invitae Variant Classification Sherloc (09022015). Collection method: clinical testing. Allele origin: germline.
Comment: This sequence change replaces leucine with arginine at codon 5673 of the NEB protein (p.Leu5673Arg). The leucine residue is weakly conserved and there is a moderate physicochemical difference between leucine and arginine. In summary, the available evidence is currently insufficient to determine the role of this variant in disease. Therefore, it has been classified as a Variant of Uncertain Significance. Algorithms developed to predict the effect of missense changes on protein structure and function are either unavailable or do not agree on the potential impact of this missense change (SIFT: "Deleterious"; PolyPhen-2: "Not Available"; Align-GVGD: "Class C0"). This variant has not been reported in the literature in individuals with NEB-related conditions. This variant is not present in population databases (ExAC no frequency).